The following is an entry in ClinVar:

ClinVar aggregate classification (germline): Uncertain significance (1 of 4 stars; one submission).

Conditions:
Long QT syndrome (LQTS). Identifiers: MedGen C0023976, MeSH D008133, MONDO:0002442. Disease mechanism: loss of function. Inheritance: Various modes of inheritance.

Allele frequency attached by ClinVar (database versions not stated): gnomAD 0.00001.
gnomAD v4.1: 1 of 1,613,356 alleles (0.000062%); highest among the groups gnomAD compares: African/African-American, 0.0013%; no homozygotes.

Submission:

Labcorp Genetics (formerly Invitae), Labcorp
Classification: Uncertain significance for Long QT syndrome. Last evaluated: 2022-07-26. Review status: criteria provided, single submitter. Criteria: Invitae Variant Classification Sherloc (09022015). Collection method: clinical testing. Allele origin: germline.
Comment: In summary, the available evidence is currently insufficient to determine the role of this variant in disease. Therefore, it has been classified as a Variant of Uncertain Significance. Algorithms developed to predict the effect of missense changes on protein structure and function output the following: SIFT: "Tolerated"; PolyPhen-2: "Benign"; Align-GVGD: "Class C0". The alanine amino acid residue is found in multiple mammalian species, which suggests that this missense change does not adversely affect protein function. ClinVar contains an entry for this variant (Variation ID: 1063232). This variant has not been reported in the literature in individuals affected with ANK2-related conditions. This variant is present in population databases (no rsID available, gnomAD 0.01%). This sequence change replaces valine, which is neutral and non-polar, with alanine, which is neutral and non-polar, at codon 3357 of the ANK2 protein (p.Val3357Ala).

NM_001148.6(ANK2):c.10070T>C (p.Val3357Ala)

Gene: ANK2 (ankyrin 2; plus strand). Cytogenetic location: 4q26.
Variant type: single nucleotide variant.
Coding change: c.10070T>C on transcript NM_001148.6 (MANE Select); coding-DNA position 10070, T replaced by C.
Protein change: p.Val3357Ala; replaces valine 3357 with alanine.
Molecular consequence: missense variant. On other transcripts: intron variant (68).
Genome position (GRCh38, 1-based): chr4:113,358,688, T>C. VCF-style: chr4-113358688-T-C. GRCh37 (hg19) VCF-style: chr4-114279844-T-C.
Other names: c.9836T>C, p.Val3279Ala (NM_001386142.1); c.6470T>C, p.Val2157Ala (NM_001386166.1); c.10211T>C, p.Val3404Ala (NM_001386174.1); c.10187T>C, p.Val3396Ala (NM_001386175.1); c.4412-2135T>C (NM_001386186.2, NM_001386148.2); c.4214-2135T>C (NM_001354269.3); c.4292-2135T>C (NM_001386187.2); c.4253-2135T>C (NM_001386147.1); and 35 more; short protein forms V2157A, V3279A, V3357A, V3396A, V3404A.
Identifiers: ClinVar variation 1063232 (VCV001063232.5), dbSNP rs1268005912, ClinGen allele CA357939617.